The following is an entry in ClinVar:

ClinVar aggregate classification (germline): Uncertain significance (1 of 4 stars; one submission).

Conditions:
Supravalvar aortic stenosis (SVAS). Also called: Supravalvar aortic stenosis, Eisenberg type. Identifiers: Orphanet 3193, MedGen C0003499, MONDO:0008504, OMIM 185500, HP:0004381.

gnomAD v4.1: 1 of 1,613,908 alleles (0.000062%); highest among the groups gnomAD compares: African/African-American, 0.0013%; no homozygotes.

Submission:

Labcorp Genetics (formerly Invitae), Labcorp
Classification: Uncertain significance for Supravalvar aortic stenosis. Last evaluated: 2025-10-27. Review status: criteria provided, single submitter. Criteria: Invitae Variant Classification Sherloc (09022015). Collection method: clinical testing. Allele origin: germline.
Comment: This sequence change falls in intron 5 of the ELN gene. It does not directly change the encoded amino acid sequence of the ELN protein. It affects a nucleotide within the consensus splice site. This variant is not present in population databases (gnomAD no frequency). This variant has not been reported in the literature in individuals affected with ELN-related conditions. Variants that disrupt the consensus splice site are a relatively common cause of aberrant splicing (PMID: 17576681, 9536098). Algorithms developed to predict the effect of sequence changes on RNA splicing suggest that this variant may disrupt the consensus splice site. In summary, the available evidence is currently insufficient to determine the role of this variant in disease. Therefore, it has been classified as a Variant of Uncertain Significance.

Literature cited by the submitters: PubMed 17576681; PubMed 9536098.

NM_000501.4(ELN):c.232+4A>T

Gene: ELN (elastin; plus strand). Cytogenetic location: 7q11.23.
Variant type: single nucleotide variant.
Coding change: c.232+4A>T on transcript NM_000501.4 (MANE Select); 4 bases into the intron after coding-DNA position 232, A replaced by T.
Molecular consequence: intron variant.
Genome position (GRCh38, 1-based): chr7:74,041,255, A>T. VCF-style: chr7-74041255-A-T. GRCh37 (hg19) VCF-style: chr7-73455585-A-T.
Other names: c.232+4A>T (NM_001081754.3, NM_001081753.3, NM_001278939.2 and 4 more transcripts); c.197-1359A>T (NM_001278913.2); c.202+4A>T (NM_001278914.2, NM_001278917.2, NM_001081752.3 and 1 more transcripts).
Identifiers: ClinVar variation 4705952 (VCV004705952.1).
Genomic context (GRCh38, chr7:74,041,255, plus strand): 5'-GTCTCTGTTTCTTATCCACAGTTCCCGGAGGGCTTGCGGGTGCTGGCCTTGGGGCAGGTG[A>T]GTGCTGACACCCAAGAAAGATATCCCCTGTGGGGACCAGCCCCTGAGCTCAACCCAGGGC-3'